The following is an entry in ClinVar:

NM_182746.3(MCM4):c.2054C>T (p.Ala685Val)

Gene: MCM4 (minichromosome maintenance complex component 4; plus strand). Cytogenetic location: 8q11.21.
Variant type: single nucleotide variant.
Coding change: c.2054C>T on transcript NM_182746.3 (MANE Select); coding-DNA position 2054, C replaced by T.
Protein change: p.Ala685Val; replaces alanine 685 with valine.
Molecular consequence: missense variant.
Genome position (GRCh38, 1-based): chr8:47,972,982, C>T. VCF-style: chr8-47972982-C-T. GRCh37 (hg19) VCF-style: chr8-48885542-C-T.
Other names: c.2054C>T, p.Ala685Val (NM_005914.4); c.2054C>T (NM_005914.3); short protein forms A685V.
Identifiers: ClinVar variation 1909016 (VCV001909016.4), dbSNP rs763060839, ClinGen allele CA4742784.
Genomic context (GRCh38, chr8:47,972,982, plus strand): 5'-ACCTGGTCGCACTGTACTACCAGAGCGAGGAGCAGGCAGAGGAGGAGCTCCTGGACATGG[C>T]GGTGCTAAAGGACTACATTGCCTACGCGCACAGCACCATCATGCCGCGGCTAAGTGAGGA-3'
Protein context (NP_877423.1, residues 675-695): EQAEEELLDM[Ala685Val]VLKDYIAYAH

ClinVar aggregate classification (germline): Uncertain significance. Review status: criteria provided, multiple submitters, no conflicts (2 of 4 stars). 2 submissions from 2 submitters: Uncertain significance (2). Last evaluated 2024-12-16.

Allele frequency attached by ClinVar (database versions not stated): ExAC 0.00001; gnomAD 0.00001.
gnomAD v4.1: 20 of 1,613,968 alleles (0.0012%); highest among the groups gnomAD compares: Middle Eastern, 0.016%; no homozygotes.

Submissions (2):

Ambry Genetics
Classification: Uncertain significance. Last evaluated: 2024-12-16. Review status: criteria provided, single submitter. Criteria: Ambry Variant Classification Scheme 2023. Collection method: clinical testing. Allele origin: germline.

Labcorp Genetics (formerly Invitae), Labcorp
Classification: Uncertain significance. Last evaluated: 2022-02-03. Review status: criteria provided, single submitter. Criteria: Invitae Variant Classification Sherloc (09022015). Collection method: clinical testing. Allele origin: germline.
Comment: In summary, the available evidence is currently insufficient to determine the role of this variant in disease. Therefore, it has been classified as a Variant of Uncertain Significance. Algorithms developed to predict the effect of missense changes on protein structure and function (SIFT, PolyPhen-2, Align-GVGD) all suggest that this variant is likely to be tolerated. This variant has not been reported in the literature in individuals affected with MCM4-related conditions. The frequency data for this variant in the population databases is considered unreliable, as metrics indicate poor data quality at this position in the gnomAD database. This sequence change replaces alanine, which is neutral and non-polar, with valine, which is neutral and non-polar, at codon 685 of the MCM4 protein (p.Ala685Val).